The following is an entry in ClinVar:

ClinVar aggregate classification (germline): Likely pathogenic (1 of 4 stars; one submission).

Conditions:
Fanconi anemia complementation group C (FANCC). Also called: FANCONI PANCYTOPENIA, TYPE 3; FACC; FANCC-Related Fanconi Anemia; Fanconi anemia, group C. Identifiers: Orphanet 84, MedGen C3468041, MONDO:0009213, OMIM 227645.

gnomAD v4.1: 1 of 1,609,728 alleles (0.000062%); highest among the groups gnomAD compares: Non-Finnish European, 0.000085%; no homozygotes.

Submission:

Laboratory of Medical Genetics Unit, Bambino Gesù Children's Hospital
Classification: Likely pathogenic for Fanconi anemia complementation group C. Review status: criteria provided, single submitter. Criteria: ACMG Guidelines, 2015. Collection method: clinical testing. Allele origin: maternal. Inheritance: Autosomal dominant inheritance. Affected: yes. Observed: 1 heterozygote.
Comment: Variant summary: FANCC c.250+1G>T is located in a canonical splice-site and is predicted to affect mRNA splicing resulting in a significantly altered protein due to either exon skipping, shortening, or inclusion of intronic material. Several computational tools predict a significant impact on normal splicing. However, these predictions have yet to be confirmed by functional studies.

NM_000136.3(FANCC):c.250+1G>T

Gene: FANCC (FA complementation group C; minus strand). Cytogenetic location: 9q22.32.
Variant type: single nucleotide variant.
Coding change: c.250+1G>T on transcript NM_000136.3 (MANE Select); the canonical splice donor site of the intron after coding-DNA position 250, G replaced by T.
Molecular consequence: splice donor variant.
Genome position (GRCh38, 1-based): chr9:95,247,431, C>A on the plus strand (G>T on the coding strand, the complement: FANCC is on the minus strand). VCF-style: chr9-95247431-C-A. GRCh37 (hg19) VCF-style: chr9-98009713-C-A.
Other names: c.250+1G>T (NM_001243743.2, NM_001243744.2).
Identifiers: ClinVar variation 3335920 (VCV003335920.1).